The following is an entry in ClinVar:

NM_001349798.2(FBXW7):c.458C>G (p.Pro153Arg)

Gene: FBXW7 (F-box and WD repeat domain containing 7; minus strand). Cytogenetic location: 4q31.3.
Variant type: single nucleotide variant.
Coding change: c.458C>G on transcript NM_001349798.2 (MANE Select); coding-DNA position 458, C replaced by G.
Protein change: p.Pro153Arg; replaces proline 153 with arginine.
Molecular consequence: missense variant.
Genome position (GRCh38, 1-based): chr4:152,411,346, G>C on the plus strand (C>G on the coding strand, the complement: FBXW7 is on the minus strand). VCF-style: chr4-152411346-G-C. GRCh37 (hg19) VCF-style: chr4-153332498-G-C.
Other names: c.458C>G, p.Pro153Arg (NM_001257069.1, NM_033632.3, LRG_1141t1); short protein forms P153R.
Identifiers: ClinVar variation 134384 (VCV000134384.1), dbSNP rs587778350, ClinGen allele CA159658.

ClinVar aggregate classification (germline): not provided (0 of 4 stars; one submission).

Submission:

ITMI
No classification provided. Condition: AllHighlyPenetrant. Last evaluated: 2013-09-19. Review status: no classification provided. Collection method: reference population. Allele origin: germline.
Comment: Please see associated publication for description of ethnicities

Literature cited by the submitters: PubMed 24728327.